The following is an entry in ClinVar:

NM_005879.3(TRAIP):c.349del (p.Thr117fs)

Gene: TRAIP (TRAF interacting protein; minus strand). Cytogenetic location: 3p21.31.
Variant type: Deletion.
Coding change: c.349del on transcript NM_005879.3 (MANE Select); coding-DNA position 349, one base deleted (A; older notation c.349delA).
Protein change: p.Thr117fs; shifts the reading frame from threonine 117.
Molecular consequence: frameshift variant.
Genome position (GRCh38, 1-based): chr3:49,843,860, T deleted on the plus strand (A on the coding strand, the reverse complement: TRAIP is on the minus strand). VCF-style (leftmost placement, unchanged base first): chr3-49843859-GT-G. GRCh37 (hg19) VCF-style: chr3-49881292-GT-G.
Other names: short protein forms T117fs.
Identifiers: ClinVar variation 2998164 (VCV002998164.3), dbSNP rs2544970858, ClinGen allele CA2665776762.
Genomic context (GRCh38, chr3:49,843,859, plus strand): 5'-ACTTTCAGTGTGGAGCACAGCATCTCGGCCTTGCCCAAGGCCTGCTGCAGAGATACCACA[GT>G]AGCATTGCGTTCTTCCAGCGTATCCCGCAGAGTGTCGATGATGACCTGGCTGTCTCGTTT-3'

ClinVar aggregate classification (germline): Pathogenic (1 of 4 stars; one submission).

Allele frequency attached by ClinVar (database versions not stated): gnomAD exomes below 0.00001.

Submission:

Labcorp Genetics (formerly Invitae), Labcorp
Classification: Pathogenic. Last evaluated: 2023-03-13. Review status: criteria provided, single submitter. Criteria: Invitae Variant Classification Sherloc (09022015). Collection method: clinical testing. Allele origin: germline.
Comment: For these reasons, this variant has been classified as Pathogenic. Algorithms developed to predict the effect of sequence changes on RNA splicing suggest that this variant may disrupt the consensus splice site. This sequence change creates a premature translational stop signal (p.Thr117Leufs*19) in the TRAIP gene. It is expected to result in an absent or disrupted protein product. Loss-of-function variants in TRAIP are known to be pathogenic (PMID: 26595769, 31974414). This variant is not present in population databases (gnomAD no frequency). This variant has not been reported in the literature in individuals affected with TRAIP-related conditions.

Literature cited by the submitters: PubMed 26595769; PubMed 31974414.